The following is an entry in ClinVar:

NM_025114.4(CEP290):c.4246C>T (p.Arg1416Cys)

Gene: CEP290 (centrosomal protein 290; minus strand). Cytogenetic location: 12q21.32.
Variant type: single nucleotide variant.
Coding change: c.4246C>T on transcript NM_025114.4 (MANE Select); coding-DNA position 4246, C replaced by T.
Protein change: p.Arg1416Cys; replaces arginine 1416 with cysteine.
Molecular consequence: missense variant.
Genome position (GRCh38, 1-based): chr12:88,086,447, G>A on the plus strand (C>T on the coding strand, the complement: CEP290 is on the minus strand). VCF-style: chr12-88086447-G-A. GRCh37 (hg19) VCF-style: chr12-88480224-G-A.
Other names: c.4246C>T (NM_025114.3); short protein forms R1416C.
Identifiers: ClinVar variation 1410054 (VCV001410054.6), dbSNP rs776812442, ClinGen allele CA6711994.

ClinVar aggregate classification (germline): Uncertain significance. Review status: criteria provided, multiple submitters, no conflicts (2 of 4 stars). 3 submissions from 3 submitters: Uncertain significance (3). Last evaluated 2026-03-23.

Conditions:
Nephronophthisis. Also called: Juvenile Nephronophthisis. Identifiers: Orphanet 655, MedGen C0687120, MONDO:0019005, HP:0000090.
Meckel-Gruber syndrome. Also called: DYSENCEPHALIA SPLANCHNOCYSTICA; GRUBER SYNDROME; Dysencephalia splachnocystica. Identifiers: Orphanet 564, MedGen C0265215, MONDO:0018921.
Joubert syndrome. Also called: JOUBERT-BOLTSHAUSER SYNDROME; Familial aplasia of the vermis. Identifiers: Orphanet 475, MedGen C5979921, MONDO:0018772.
CEP290-related disorder. Also called: CEP290-related condition; CEP290-related disorders. Identifiers: MedGen CN239314.

Allele frequency attached by ClinVar (database versions not stated): gnomAD 0.00001; gnomAD exomes 0.00002; ExAC 0.00004.
gnomAD v4.1: 28 of 1,600,380 alleles (0.0017%); highest among the groups gnomAD compares: East Asian, 0.0022%; no homozygotes.

Submissions (3):

PreventionGenetics, part of Exact Sciences
Classification: Uncertain significance for CEP290-related condition. Last evaluated: 2026-03-23. Review status: criteria provided, single submitter. Criteria: ACMG Guidelines, 2015. Collection method: clinical testing. Allele origin: germline.
Comment: The CEP290 c.4246C>T variant is predicted to result in the amino acid substitution p.Arg1416Cys. To our knowledge, this variant has not been reported in the literature. This variant is reported in 0.0049% of alleles in individuals of European (Non-Finnish) descent in gnomAD. At this time, the clinical significance of this variant is uncertain due to the absence of conclusive functional and genetic evidence.

Labcorp Genetics (formerly Invitae), Labcorp
Classification: Uncertain significance for Joubert syndrome; Meckel-Gruber syndrome; Nephronophthisis. Last evaluated: 2024-08-12. Review status: criteria provided, single submitter. Criteria: Invitae Variant Classification Sherloc (09022015). Collection method: clinical testing. Allele origin: germline.
Comment: This sequence change replaces arginine, which is basic and polar, with cysteine, which is neutral and slightly polar, at codon 1416 of the CEP290 protein (p.Arg1416Cys). The frequency data for this variant in the population databases is considered unreliable, as metrics indicate poor data quality at this position in the gnomAD database. This variant has not been reported in the literature in individuals affected with CEP290-related conditions. ClinVar contains an entry for this variant (Variation ID: 1410054). Advanced modeling of protein sequence and biophysical properties (such as structural, functional, and spatial information, amino acid conservation, physicochemical variation, residue mobility, and thermodynamic stability) performed at Invitae indicates that this missense variant is expected to disrupt CEP290 protein function with a positive predictive value of 80%. In summary, the available evidence is currently insufficient to determine the role of this variant in disease. Therefore, it has been classified as a Variant of Uncertain Significance.

Blueprint Genetics
Classification: Uncertain significance. Last evaluated: 2023-09-11. Review status: criteria provided, single submitter. Criteria: ACMG Guidelines, 2015. Collection method: clinical testing. Allele origin: germline.